The following is an entry in ClinVar:

NM_001113491.2(SEPTIN9):c.367G>A (p.Gly123Arg)

Gene: SEPTIN9 (septin 9; plus strand). Cytogenetic location: 17q25.3.
Variant type: single nucleotide variant.
Coding change: c.367G>A on transcript NM_001113491.2 (MANE Select); coding-DNA position 367, G replaced by A.
Protein change: p.Gly123Arg; replaces glycine 123 with arginine.
Molecular consequence: missense variant. On other transcripts: 5 prime UTR variant (2).
Genome position (GRCh38, 1-based): chr17:77,402,349, G>A. VCF-style: chr17-77402349-G-A. GRCh37 (hg19) VCF-style: chr17-75398431-G-A.
Other names: c.-126G>A (NM_001113492.2, NM_001113494.1); c.346G>A, p.Gly116Arg (NM_001113493.2); c.310G>A, p.Gly104Arg (NM_001293695.2); c.313G>A, p.Gly105Arg (NM_006640.5); short protein forms G104R, G105R, G116R, G123R.
Identifiers: ClinVar variation 1334605 (VCV001334605.4), dbSNP rs1193204367, ClinGen allele CA401206025.

ClinVar aggregate classification (germline): Uncertain significance (1 of 4 stars; one submission).

Allele frequency attached by ClinVar (database versions not stated): TOPMed 0.00001; gnomAD exomes 0.00001; gnomAD 0.00001.

Submission:

Greenwood Genetic Center Diagnostic Laboratories, Greenwood Genetic Center
Classification: Uncertain significance. Last evaluated: 2021-09-07. Review status: criteria provided, single submitter. Criteria: ACMG Guidelines, 2015. Collection method: clinical testing. Allele origin: germline. Affected: yes.
Comment: BP4, PM2